The following is an entry in ClinVar:

NM_017777.4(MKS1):c.1349T>C (p.Ile450Thr)

Gene: MKS1 (MKS transition zone complex subunit 1; minus strand). Cytogenetic location: 17q22.
Variant type: single nucleotide variant.
Coding change: c.1349T>C on transcript NM_017777.4 (MANE Select); coding-DNA position 1349, T replaced by C.
Protein change: p.Ile450Thr; replaces isoleucine 450 with threonine.
Molecular consequence: missense variant. On other transcripts: intron variant (1).
Genome position (GRCh38, 1-based): chr17:58,207,143, A>G on the plus strand (T>C on the coding strand, the complement: MKS1 is on the minus strand). VCF-style: chr17-58207143-A-G. GRCh37 (hg19) VCF-style: chr17-56284504-A-G.
Other names: p.Ile450Thr; c.740T>C, p.Ile247Thr (NM_001321268.2); c.1349T>C, p.Ile450Thr (NM_001321269.2); c.1273+751T>C (NM_001330397.2); short protein forms I450T, I247T.
Identifiers: ClinVar variation 281123 (VCV000281123.41), dbSNP rs200865108, ClinGen allele CA8669161.

ClinVar aggregate classification (germline): Conflicting classifications of pathogenicity. Review status: criteria provided, conflicting classifications (1 of 4 stars). 18 submissions from 14 submitters: Uncertain significance (13); Likely benign (3). 2 of the submissions do not count toward it. Last evaluated 2026-01-28.

Conditions:
Meckel-Gruber syndrome. Also called: Dysencephalia splachnocystica; DYSENCEPHALIA SPLANCHNOCYSTICA; GRUBER SYNDROME. Identifiers: Orphanet 564, MedGen C0265215, MONDO:0018921.
Joubert syndrome. Also called: Familial aplasia of the vermis; JOUBERT-BOLTSHAUSER SYNDROME. Identifiers: Orphanet 475, MedGen C5979921, MONDO:0018772.
Meckel syndrome, type 1 (MKS1). Also called: MECKEL-GRUBER SYNDROME, TYPE 1. Identifiers: Orphanet 564, MedGen C3714506, MONDO:0009571, OMIM 249000.
Retinal dystrophy. Also called: Inherited retinal dystrophy. Identifiers: Orphanet 71862, MedGen C0854723, MeSH D058499, MONDO:0019118, HP:0000556.
Optic atrophy. Identifiers: MedGen C0029124, MONDO:0003608, HP:0000648.
Bardet-Biedl syndrome 13 (BBS13). Identifiers: Orphanet 110, MedGen C2673873, MONDO:0014441, OMIM 615990.
MKS1-related disorder. Also called: MKS1-related condition; MKS1-related disorders. Identifiers: MedGen CN239382.
Joubert syndrome 28 (JBTS28). Identifiers: MedGen C4310705, MONDO:0014928, OMIM 617121.
Bardet-Biedl syndrome (BBS). Identifiers: Orphanet 110, MedGen C0752166, MONDO:0015229.

Allele frequency attached by ClinVar (database versions not stated): ExAC 0.00055; gnomAD 0.00157 and 0.00149; gnomAD exomes 0.00021 and 0.00042; 1000 Genomes Project 30x 0.00078; ESP Exome Variant Server 0.00141; 1000 Genomes Project 0.00100; TOPMed 0.00145.
gnomAD v4.1: 554 of 1,614,170 alleles (0.034%); highest among the groups gnomAD compares: African/African-American, 0.46%; 1 homozygote.

Submissions (18):

Labcorp Genetics (formerly Invitae), Labcorp
Classification: Likely benign for Joubert syndrome; Meckel-Gruber syndrome. Last evaluated: 2026-01-28. Review status: criteria provided, single submitter. Criteria: Invitae Variant Classification Sherloc (09022015). Collection method: clinical testing. Allele origin: germline.

Genetic Services Laboratory, University of Chicago
Classification: Uncertain significance. Last evaluated: 2025-12-09. Review status: criteria provided, single submitter. Criteria: ACMG Guidelines, 2015. Collection method: clinical testing. Allele origin: germline.
Comment: DNA sequence analysis of the MKS1 gene demonstrated a sequence change, c.1349T>C, in exon 15 that results in an amino acid change, p.Ile450Thr. This sequence change does not appear to have been previously described in individuals with MKS1-related disorders. This sequence change has been described in the gnomAD database with a frequency of 0.42% in the African/African-American subpopulation (dbSNP rs200865108). The p.Ile450Thr change affects a highly conserved amino acid residue located in a domain of the MKS1 protein that is known to be functional. The p.Ile450Thr substitution appears to be deleterious/possibly damaging using several in-silico pathogenicity prediction tools (SIFT, PolyPhen2, Align GVGD, REVEL). Due to insufficient evidences and the lack of functional studies, the clinical significance of the p.Ile450Thr change remains unknown at this time.

Blueprint Genetics
Classification: Likely benign. Last evaluated: 2024-10-23. Review status: criteria provided, single submitter. Criteria: ACMG Guidelines, 2015. Collection method: clinical testing. Allele origin: germline.

GeneDx
Classification: Uncertain significance. Last evaluated: 2024-08-12. Review status: criteria provided, single submitter. Criteria: GeneDx Variant Classification Process June 2021. Collection method: clinical testing. Allele origin: germline. Affected: yes.
Comment: Has been reported in a patient with features of BBS as a single heterozygous variant (PMID: 18327255); Has also been reported in a patient from a cohort of patients with inherited retinal disease, potentially with a second variant; however segregation data and specific clinical information was not clearly delineated in this report (PMID: 31456290); Published functional studies demonstrate a damaging effect (PMID: 18327255); In silico analysis supports that this missense variant has a deleterious effect on protein structure/function; This variant is associated with the following publications: (PMID: 34426522, 34573333, 18327255, 31456290, 30793526)

Mayo Clinic Laboratories, Mayo Clinic
Classification: Uncertain significance. Last evaluated: 2024-04-03. Review status: criteria provided, single submitter. Criteria: ACMG Guidelines, 2015. Collection method: clinical testing. Allele origin: germline. Observed: 1 variant allele.
Comment: BS1, PP3

Institute of Human Genetics, Univ. Regensburg, Univ. Regensburg
Classification: Uncertain significance for Optic atrophy. Last evaluated: 2023-01-01. Review status: criteria provided, single submitter. Criteria: ACMG Guidelines, 2015. Collection method: clinical testing. Allele origin: germline. Affected: yes.

Institute of Human Genetics, Univ. Regensburg, Univ. Regensburg
Classification: Uncertain significance for Retinal dystrophy. Last evaluated: 2023-01-01. Review status: criteria provided, single submitter. Criteria: ACMG Guidelines, 2015. Collection method: clinical testing. Allele origin: germline. Affected: yes.

Women's Health and Genetics/Laboratory Corporation of America, LabCorp
Classification: Likely benign. Last evaluated: 2022-07-01. Review status: criteria provided, single submitter. Criteria: LabCorp Variant Classification Summary - May 2015. Collection method: clinical testing. Allele origin: germline.
Comment: Variant summary: MKS1 c.1349T>C (p.Ile450Thr) results in a non-conservative amino acid change in the encoded protein sequence. Four of five in-silico tools predict a damaging effect of the variant on protein function. The variant allele was found at a frequency of 0.00042 in 249558 control chromosomes, predominantly at a frequency of 0.0036 within the African or African-American subpopulation in the gnomAD database. The observed variant frequency within African or African-American control individuals in the gnomAD database is approximately 4-fold of the estimated maximal expected allele frequency for a pathogenic variant in MKS1 causing Meckel Syndrome Type 1 phenotype (0.0011), strongly suggesting that the variant is a benign polymorphism found primarily in populations of African or African-American origin. c.1349T>C has been reported in the literature in at least one heterozygous individual affected with Bardet-Biedl syndrome (e.g. Leitch_2008), but to our knowledge has not been found in individuals with Meckel Syndrome Type 1. Multiple assessments for this variant have been submitted to ClinVar after 2014 with conflicting assessments (likely pathogenic n=1, VUS n=6, likely benign n=1). Based on the evidence outlined above, the variant was classified as likely benign.

Genome-Nilou Lab
Classification: Uncertain significance for Bardet-Biedl syndrome 13. Last evaluated: 2021-07-14. Review status: criteria provided, single submitter. Criteria: ACMG Guidelines, 2015. Collection method: clinical testing. Allele origin: germline. Affected: no.

Genome-Nilou Lab
Classification: Uncertain significance for Joubert syndrome 28. Last evaluated: 2021-07-14. Review status: criteria provided, single submitter. Criteria: ACMG Guidelines, 2015. Collection method: clinical testing. Allele origin: germline. Affected: no.

Genome-Nilou Lab
Classification: Uncertain significance for Meckel syndrome, type 1. Last evaluated: 2021-07-14. Review status: criteria provided, single submitter. Criteria: ACMG Guidelines, 2015. Collection method: clinical testing. Allele origin: germline. Affected: no.

Revvity Omics, Revvity
Classification: Uncertain significance. Last evaluated: 2019-11-25. Review status: criteria provided, single submitter. Criteria: ACMG Guidelines, 2015. Collection method: clinical testing. Allele origin: germline.

Baylor Genetics
Classification: Uncertain significance for Bardet-Biedl syndrome 13. Last evaluated: 2019-03-15. Review status: criteria provided, single submitter. Criteria: ACMG Guidelines, 2015. Collection method: clinical testing. Allele origin: unknown. Affected: yes.
Comment: This variant was determined to be of uncertain significance according to ACMG Guidelines, 2015 [PMID:25741868].

Eurofins Ntd Llc (ga)
Classification: Uncertain significance. Last evaluated: 2018-07-30. Review status: criteria provided, single submitter. Criteria: EGL ClinVar v180209 classification definitions. Collection method: clinical testing. Allele origin: germline. Observed: 10 variant alleles, 10 heterozygotes.

Illumina Laboratory Services, Illumina
Classification: Uncertain significance for Bardet-Biedl syndrome 13. Last evaluated: 2017-04-28. Review status: criteria provided, single submitter. Criteria: ICSL Variant Classification Criteria 13 December 2019. Collection method: clinical testing. Allele origin: germline.
Comment: This variant was observed as part of a predisposition screen in an ostensibly healthy population. A literature search was performed for the gene, cDNA change, and amino acid change (where applicable). Publications were found based on this search. However, the evidence from the literature, in combination with allele frequency data from public databases where available, was not sufficient to rule this variant in or out of causing disease. Therefore, this variant is classified as a variant of unknown significance.

Illumina Laboratory Services, Illumina
Classification: Uncertain significance for Meckel syndrome, type 1. Last evaluated: 2017-04-28. Review status: criteria provided, single submitter. Criteria: ICSL Variant Classification Criteria 13 December 2019. Collection method: clinical testing. Allele origin: germline.

PreventionGenetics, part of Exact Sciences
Classification: Likely benign for MKS1-related condition. Last evaluated: 2020-01-13. Review status: no assertion criteria provided. Collection method: clinical testing. Allele origin: germline. Not counted in ClinVar's aggregate classification.
Comment: This variant is classified as likely benign based on ACMG/AMP sequence variant interpretation guidelines (Richards et al. 2015 PMID: 25741868, with internal and published modifications).

Sharon lab, Hadassah-Hebrew University Medical Center
Classification: Likely pathogenic for Bardet-Biedl syndrome. Last evaluated: 2019-06-23. Review status: no assertion criteria provided. Collection method: research. Allele origin: inherited. Affected: yes. Not counted in ClinVar's aggregate classification.

Literature cited by the submitters: PubMed 18327255 (cited by 5 submitters); PubMed 28289063 (cited by Mayo Clinic Laboratories, Mayo Clinic); PubMed 30793526 (cited by Mayo Clinic Laboratories, Mayo Clinic); PubMed 31456290 (cited by 3 submitters); PubMed 34426522 (cited by Mayo Clinic Laboratories, Mayo Clinic and Institute of Human Genetics, Univ. Regensburg, Univ. Regensburg); PubMed 34573333 (cited by Mayo Clinic Laboratories, Mayo Clinic).